The following is an entry in ClinVar:

NM_000059.4(BRCA2):c.2992G>T (p.Gly998Cys)

Gene: BRCA2 (BRCA2 DNA repair associated; plus strand). Cytogenetic location: 13q13.1.
Variant type: single nucleotide variant.
Coding change: c.2992G>T on transcript NM_000059.4 (MANE Select); coding-DNA position 2992, G replaced by T.
Protein change: p.Gly998Cys; replaces glycine 998 with cysteine.
Molecular consequence: missense variant.
Genome position (GRCh38, 1-based): chr13:32,337,347, G>T. VCF-style: chr13-32337347-G-T. GRCh37 (hg19) VCF-style: chr13-32911484-G-T.
Other names: short protein forms G998C.
Identifiers: ClinVar variation 462284 (VCV000462284.8), dbSNP rs777615894, ClinGen allele CA387774619.

ClinVar aggregate classification (germline): Conflicting classifications of pathogenicity. Review status: criteria provided, conflicting classifications (1 of 4 stars). 3 submissions from 3 submitters: Uncertain significance (1); Likely benign (2). Last evaluated 2025-04-25.

Conditions:
Hereditary breast ovarian cancer syndrome. Also called: Hereditary breast and ovarian cancer syndrome (HBOC); Hereditary breast and ovarian cancer syndrome; Breast and ovarian cancer; Hereditary breast and/or ovarian cancer syndrome; Hereditary breast and ovarian cancer; BRCA1- and BRCA2-Associated Hereditary Breast and Ovarian Cancer. Identifiers: Orphanet 145, MedGen C0677776, MeSH D061325, MONDO:0003582. Disease mechanism: loss of function.
Hereditary cancer-predisposing syndrome. Also called: Neoplastic Syndromes, Hereditary; Hereditary Cancer Syndrome; Hereditary neoplastic syndrome; Tumor predisposition. Identifiers: Orphanet 140162, MedGen C0027672, MeSH D009386, MONDO:0015356.

Submissions (3):

Ambry Genetics
Classification: Likely benign for Hereditary cancer-predisposing syndrome. Last evaluated: 2025-04-25. Review status: criteria provided, single submitter. Criteria: Ambry Variant Classification Scheme 2023. Collection method: clinical testing. Allele origin: germline.

University of Washington Department of Laboratory Medicine, University of Washington
Classification: Likely benign for Hereditary cancer-predisposing syndrome. Last evaluated: 2023-03-23. Review status: criteria provided, single submitter. Criteria: Dines et al. (Genet Med. 2020). Collection method: curation. Allele origin: germline.
Comment: Missense variant in a coldspot region where missense variants are very unlikely to be pathogenic (PMID:31911673).

BRCA2 exon 11 coldspot. Reclassification based on statistical prior probability.

Labcorp Genetics (formerly Invitae), Labcorp
Classification: Uncertain significance for Hereditary breast ovarian cancer syndrome. Last evaluated: 2022-03-17. Review status: criteria provided, single submitter. Criteria: Invitae Variant Classification Sherloc (09022015). Collection method: clinical testing. Allele origin: germline.
Comment: This sequence change replaces glycine, which is neutral and non-polar, with cysteine, which is neutral and slightly polar, at codon 998 of the BRCA2 protein (p.Gly998Cys). This variant is not present in population databases (gnomAD no frequency). This variant has not been reported in the literature in individuals affected with BRCA2-related conditions. ClinVar contains an entry for this variant (Variation ID: 462284). Advanced modeling of protein sequence and biophysical properties (such as structural, functional, and spatial information, amino acid conservation, physicochemical variation, residue mobility, and thermodynamic stability) performed at Invitae indicates that this missense variant is not expected to disrupt BRCA2 protein function. In summary, the available evidence is currently insufficient to determine the role of this variant in disease. Therefore, it has been classified as a Variant of Uncertain Significance.